The following is an entry in ClinVar:

ClinVar aggregate classification (germline): Conflicting classifications of pathogenicity. Review status: criteria provided, conflicting classifications (1 of 4 stars). 7 submissions from 7 submitters: Uncertain significance (2); Likely benign (4). 1 of the submissions does not count toward it. Last evaluated 2026-01-24.

Conditions:
AMPD2-related disorder. Also called: AMPD2-related condition.
Hereditary spastic paraplegia 63. Also called: Spastic paraplegia 63, autosomal recessive. Identifiers: Orphanet 401805, MedGen C3810295, MONDO:0014305, OMIM 615686.
Pontocerebellar hypoplasia type 9. Identifiers: Orphanet 369920, MedGen C4014354, MONDO:0014351, OMIM 615809.

Allele frequency attached by ClinVar (database versions not stated): 1000 Genomes Project 30x 0.00172; 1000 Genomes Project 0.00180; ExAC 0.00257; ESP Exome Variant Server 0.00261; gnomAD exomes 0.00267 and 0.00405; TOPMed 0.00272; gnomAD 0.00298 and 0.00312.
gnomAD v4.1: 6,304 of 1,612,168 alleles (0.39%); highest among the groups gnomAD compares: Non-Finnish European, 0.47%; 11 homozygotes.

Submissions (7):

Labcorp Genetics (formerly Invitae), Labcorp
Classification: Likely benign for Pontocerebellar hypoplasia type 9; Hereditary spastic paraplegia 63. Last evaluated: 2026-01-24. Review status: criteria provided, single submitter. Criteria: Invitae Variant Classification Sherloc (09022015). Collection method: clinical testing. Allele origin: germline.

CeGaT Center for Human Genetics Tuebingen
Classification: Likely benign. Last evaluated: 2025-06-01. Review status: criteria provided, single submitter. Criteria: CeGaT Center For Human Genetics Tuebingen Variant Classification Criteria Version 2. Collection method: clinical testing. Allele origin: germline. Affected: yes. Observed: 6 variant alleles.
Comment: AMPD2: BP4, BS2

Blueprint Genetics
Classification: Likely benign. Last evaluated: 2024-11-21. Review status: criteria provided, single submitter. Criteria: ACMG Guidelines, 2015. Collection method: clinical testing. Allele origin: germline.

GeneDx
Classification: Likely benign. Last evaluated: 2020-07-30. Review status: criteria provided, single submitter. Criteria: GeneDx Variant Classification Process June 2021. Collection method: clinical testing. Allele origin: germline. Affected: yes.

Center for Pediatric Genomic Medicine, Children's Mercy Hospital and Clinics
Classification: Uncertain significance. Last evaluated: 2017-06-15. Review status: criteria provided, single submitter. Criteria: ACMG Guidelines, 2015. Collection method: clinical testing. Allele origin: germline.

Genetic Services Laboratory, University of Chicago
Classification: Uncertain significance. Last evaluated: 2017-03-28. Review status: criteria provided, single submitter. Criteria: ACMG Guidelines, 2015. Collection method: clinical testing. Allele origin: germline. Affected: no.

PreventionGenetics, part of Exact Sciences
Classification: Likely benign for AMPD2-related condition. Last evaluated: 2020-04-16. Review status: no assertion criteria provided. Collection method: clinical testing. Allele origin: germline. Not counted in ClinVar's aggregate classification.
Comment: This variant is classified as likely benign based on ACMG/AMP sequence variant interpretation guidelines (Richards et al. 2015 PMID: 25741868, with internal and published modifications).

NM_001368809.2(AMPD2):c.1407+3A>G

Genes: AMPD2 (adenosine monophosphate deaminase 2; plus strand), LOC126805822 (BRD4-independent group 4 enhancer GRCh37_chr1:110170748-110171947; plus strand). Cytogenetic location: 1p13.3.
Variant type: single nucleotide variant.
Coding change: c.1407+3A>G on transcript NM_001368809.2 (MANE Select); 3 bases into the intron after coding-DNA position 1407, A replaced by G.
Molecular consequence: intron variant.
Genome position (GRCh38, 1-based): chr1:109,628,498, A>G. VCF-style: chr1-109628498-A-G. GRCh37 (hg19) VCF-style: chr1-110171120-A-G.
Other names: c.1569+3A>G (NM_001257360.1); c.1326+3A>G (NM_139156.4); c.1344+3A>G (NM_001308170.1); c.1407+3A>G (NM_004037.9); c.1215+3A>G (NM_001257361.2).
Identifiers: ClinVar variation 434144 (VCV000434144.66), dbSNP rs41280332, ClinGen allele CA993087.